The following is an entry in ClinVar:

NM_000302.4(PLOD1):c.2003T>C (p.Leu668Pro)

Gene: PLOD1 (procollagen-lysine,2-oxoglutarate 5-dioxygenase 1; plus strand). Cytogenetic location: 1p36.22.
Variant type: single nucleotide variant.
Coding change: c.2003T>C on transcript NM_000302.4 (MANE Select); coding-DNA position 2003, T replaced by C.
Protein change: p.Leu668Pro; replaces leucine 668 with proline.
Molecular consequence: missense variant.
Genome position (GRCh38, 1-based): chr1:11,972,972, T>C. VCF-style: chr1-11972972-T-C. GRCh37 (hg19) VCF-style: chr1-12033029-T-C.
Other names: c.2144T>C, p.Leu715Pro (NM_001316320.2); short protein forms L668P, L715P.
Identifiers: ClinVar variation 4139851 (VCV004139851.1).

ClinVar aggregate classification (germline): Uncertain significance (1 of 4 stars; one submission).

Conditions:
Familial thoracic aortic aneurysm and aortic dissection (TAAD). Also called: Thoracic aortic aneurysms and dissections. Identifiers: Orphanet 91387, MedGen C4707243, MONDO:0019625.

gnomAD v4.1: 1 of 1,614,020 alleles (0.000062%); highest among the groups gnomAD compares: Non-Finnish European, 0.000085%; no homozygotes.

Submission:

Ambry Genetics
Classification: Uncertain significance for Familial thoracic aortic aneurysm and aortic dissection. Last evaluated: 2025-07-21. Review status: criteria provided, single submitter. Criteria: Ambry Variant Classification Scheme 2023. Collection method: clinical testing. Allele origin: germline.
Comment: The p.L668P variant (also known as c.2003T>C), located in coding exon 18 of the PLOD1 gene, results from a T to C substitution at nucleotide position 2003. The leucine at codon 668 is replaced by proline, an amino acid with similar properties. This amino acid position is conserved. In addition, this alteration is predicted to be deleterious by in silico analysis. Based on the available evidence, the clinical significance of this variant remains unclear.